The following is an entry in ClinVar:

NM_001323289.2(CDKL5):c.890_891dup (p.Gln298fs)

Gene: CDKL5 (cyclin dependent kinase like 5; plus strand). Cytogenetic location: Xp22.13.
Variant type: Duplication.
Coding change: c.890_891dup on transcript NM_001323289.2 (MANE Select); coding-DNA positions 890 to 891, 2 bases duplicated (TT; older notation c.890_891dupTT).
Protein change: p.Gln298fs; shifts the reading frame from glutamine 298.
Molecular consequence: frameshift variant.
Genome position (GRCh38, 1-based): chrX:18,598,526-18,598,527, TT duplicated; duplicating any 2 consecutive bases within chrX:18,598,525-18,598,527 gives the same sequence; the c. name uses the placement nearest the transcript's 3' end. VCF-style (leftmost placement, unchanged base first): chrX-18598524-A-ATT. GRCh37 (hg19) VCF-style: chrX-18616644-A-ATT.
Other names: NM_003159.3:c.890_891dup; c.890_891dup, p.Gln298fs (NM_001037343.2, NM_003159.3); short protein forms Q298fs.
Identifiers: ClinVar variation 3343999 (VCV003343999.1).

ClinVar aggregate classification (germline): Pathogenic (1 of 4 stars; one submission).

Conditions:
CDKL5 disorder. Identifiers: MedGen CN296942, MONDO:0100039.

Submission:

Centre for Population Genomics, CPG
Classification: Pathogenic for CDKL5 disorder. Last evaluated: 2024-09-18. Review status: criteria provided, single submitter. Criteria: McKnight et al. (Hum Mutat. 2022). Collection method: curation. Allele origin: germline. Inheritance: X-linked inheritance.
Comment: This variant has been collected from RettBASE and curated to current modified ACMG/AMP criteria. Based on the classification scheme defined by the ClinGen Rett/Angelman-like Expert Panel for Rett/AS-like Disorders Specifications to the ACMG/AMP Variant Interpretation Guidelines VCEP 3.0, this variant is classified as pathogenic. At least the following criteria are met: Predicted to result in loss of function, and LOF is a known mechanism of disease (PVS1). At least one individual with this variant has been reported with a clinical phenotype consistent with CDKL5- related condition (PP4). PMID: 24564546 This variant is absent from gnomAD v4 (PM2_Supporting).